The following is an entry in ClinVar:

ClinVar aggregate classification (germline): Conflicting classifications of pathogenicity. Review status: criteria provided, conflicting classifications (1 of 4 stars). 4 submissions from 4 submitters: Uncertain significance (2); Likely benign (1). 1 of the submissions does not count toward it. Last evaluated 2025-06-23.

Allele frequency attached by ClinVar (database versions not stated): gnomAD 0.00003; TOPMed 0.00011; ESP Exome Variant Server 0.00015.
gnomAD v4.1: 69 of 1,614,062 alleles (0.0043%); highest among the groups gnomAD compares: Non-Finnish European, 0.0053%; no homozygotes.

Submissions (4):

Labcorp Genetics (formerly Invitae), Labcorp
Classification: Uncertain significance. Last evaluated: 2025-06-23. Review status: criteria provided, single submitter. Criteria: Invitae Variant Classification Sherloc (09022015). Collection method: clinical testing. Allele origin: germline.
Comment: This sequence change replaces serine, which is neutral and polar, with asparagine, which is neutral and polar, at codon 463 of the ASXL1 protein (p.Ser463Asn). This variant is present in population databases (rs373486603, gnomAD 0.007%). This variant has not been reported in the literature in individuals affected with ASXL1-related conditions. ClinVar contains an entry for this variant (Variation ID: 133576). An algorithm developed to predict the effect of missense changes on protein structure and function outputs the following: PolyPhen-2: "Benign". The asparagine amino acid residue is found in multiple mammalian species, which suggests that this missense change does not adversely affect protein function. In summary, the available evidence is currently insufficient to determine the role of this variant in disease. Therefore, it has been classified as a Variant of Uncertain Significance.

CeGaT Center for Human Genetics Tuebingen
Classification: Likely benign. Last evaluated: 2025-05-01. Review status: criteria provided, single submitter. Criteria: CeGaT Center For Human Genetics Tuebingen Variant Classification Criteria Version 2. Collection method: clinical testing. Allele origin: germline. Affected: yes. Observed: 1 variant allele.
Comment: ASXL1: BP4

Eurofins Ntd Llc (ga)
Classification: Uncertain significance. Last evaluated: 2016-10-31. Review status: criteria provided, single submitter. Criteria: EGL Classification Definitions 2015. Collection method: clinical testing. Allele origin: germline. Observed: 1 variant allele, 1 heterozygote.

ITMI
No classification provided. Condition: AllHighlyPenetrant. Last evaluated: 2013-09-19. Review status: no classification provided. Collection method: reference population. Allele origin: germline. Not counted in ClinVar's aggregate classification.
Comment: Please see associated publication for description of ethnicities

Literature cited by the submitters: PubMed 24728327 (cited by ITMI).

NM_015338.6(ASXL1):c.1388G>A (p.Ser463Asn)

Gene: ASXL1 (ASXL transcriptional regulator 1; plus strand). Cytogenetic location: 20q11.21.
Variant type: single nucleotide variant.
Coding change: c.1388G>A on transcript NM_015338.6 (MANE Select); coding-DNA position 1388, G replaced by A.
Protein change: p.Ser463Asn; replaces serine 463 with asparagine.
Molecular consequence: missense variant.
Genome position (GRCh38, 1-based): chr20:32,433,586, G>A. VCF-style: chr20-32433586-G-A. GRCh37 (hg19) VCF-style: chr20-31021389-G-A.
Other names: c.1205G>A, p.Ser402Asn (NM_001363734.1); short protein forms S463N, S402N.
Identifiers: ClinVar variation 133576 (VCV000133576.21), dbSNP rs373486603, ClinGen allele CA156981.